The following is an entry in ClinVar:

NM_032043.3(BRIP1):c.2581T>C (p.Ser861Pro)

Gene: BRIP1 (BRCA1 interacting DNA helicase 1; minus strand). Cytogenetic location: 17q23.2.
Variant type: single nucleotide variant.
Coding change: c.2581T>C on transcript NM_032043.3 (MANE Select); coding-DNA position 2581, T replaced by C.
Protein change: p.Ser861Pro; replaces serine 861 with proline.
Molecular consequence: missense variant.
Genome position (GRCh38, 1-based): chr17:61,686,160, A>G on the plus strand (T>C on the coding strand, the complement: BRIP1 is on the minus strand). VCF-style: chr17-61686160-A-G. GRCh37 (hg19) VCF-style: chr17-59763521-A-G.
Other names: short protein forms S861P.
Identifiers: ClinVar variation 575165 (VCV000575165.10), dbSNP rs1567732145, ClinGen allele CA400482008.

ClinVar aggregate classification (germline): Uncertain significance. Review status: criteria provided, multiple submitters, no conflicts (2 of 4 stars). 2 submissions from 2 submitters: Uncertain significance (2). Last evaluated 2026-02-04.

Conditions:
Hereditary cancer-predisposing syndrome. Also called: Neoplastic Syndromes, Hereditary; Hereditary neoplastic syndrome; Tumor predisposition; Hereditary Cancer Syndrome. Identifiers: Orphanet 140162, MedGen C0027672, MeSH D009386, MONDO:0015356.
Fanconi anemia complementation group J. Also called: BRIP1-Related Fanconi Anemia. Identifiers: Orphanet 84, MedGen C1836860, MONDO:0012187, OMIM 609054.
Familial cancer of breast. Also called: Hereditary breast cancer; BREAST CANCER, FAMILIAL; hereditary breast carcinoma. Identifiers: Orphanet 227535, MedGen C0346153, MONDO:0016419, OMIM 114480. Disease mechanism: loss of function.

Allele frequency attached by ClinVar (database versions not stated): gnomAD exomes below 0.00001.
gnomAD v4.1: 4 of 1,614,062 alleles (0.00025%); highest among the groups gnomAD compares: Non-Finnish European, 0.00034%; no homozygotes.

Submissions (2):

Ambry Genetics
Classification: Uncertain significance for Hereditary cancer-predisposing syndrome. Last evaluated: 2026-02-04. Review status: criteria provided, single submitter. Criteria: Ambry Variant Classification Scheme 2023. Collection method: clinical testing. Allele origin: germline.
Comment: The p.S861P variant (also known as c.2581T>C), located in coding exon 18 of the BRIP1 gene, results from a T to C substitution at nucleotide position 2581. The serine at codon 861 is replaced by proline, an amino acid with similar properties. This amino acid position is highly conserved in available vertebrate species. In addition, the in silico prediction for this alteration is inconclusive. Based on the available evidence, the clinical significance of this variant remains unclear.

Labcorp Genetics (formerly Invitae), Labcorp
Classification: Uncertain significance for Familial cancer of breast; Fanconi anemia complementation group J. Last evaluated: 2023-01-31. Review status: criteria provided, single submitter. Criteria: Invitae Variant Classification Sherloc (09022015). Collection method: clinical testing. Allele origin: germline.
Comment: In summary, the available evidence is currently insufficient to determine the role of this variant in disease. Therefore, it has been classified as a Variant of Uncertain Significance. Advanced modeling of protein sequence and biophysical properties (such as structural, functional, and spatial information, amino acid conservation, physicochemical variation, residue mobility, and thermodynamic stability) performed at Invitae indicates that this missense variant is expected to disrupt BRIP1 protein function. ClinVar contains an entry for this variant (Variation ID: 575165). This variant has not been reported in the literature in individuals affected with BRIP1-related conditions. This variant is not present in population databases (gnomAD no frequency). This sequence change replaces serine, which is neutral and polar, with proline, which is neutral and non-polar, at codon 861 of the BRIP1 protein (p.Ser861Pro).